The following is an entry in ClinVar:

NM_005869.4(CWC27):c.10A>G (p.Ile4Val)

Genes: CWC27 (CWC27 spliceosome associated cyclophilin; plus strand), LOC123493324 (MED14-independent group 3 enhancer GRCh37_chr5:64063900-64065099; plus strand). Cytogenetic location: 5q12.3.
Variant type: single nucleotide variant.
Coding change: c.10A>G on transcript NM_005869.4 (MANE Select); coding-DNA position 10, A replaced by G.
Protein change: p.Ile4Val; replaces isoleucine 4 with valine.
Molecular consequence: missense variant.
Genome position (GRCh38, 1-based): chr5:64,769,156, A>G. VCF-style: chr5-64769156-A-G. GRCh37 (hg19) VCF-style: chr5-64064983-A-G.
Other names: c.10A>G, p.Ile4Val (NM_001297644.1, NM_001297645.2, NM_001318000.2 and 1 more transcripts); short protein forms I4V.
Identifiers: ClinVar variation 1403669 (VCV001403669.6), dbSNP rs758537226, ClinGen allele CA3281795.

ClinVar aggregate classification (germline): Uncertain significance (1 of 4 stars; one submission).

Allele frequency attached by ClinVar (database versions not stated): gnomAD exomes below 0.00001; ExAC 0.00001.
gnomAD v4.1: 1 of 1,614,068 alleles (0.000062%); highest among the groups gnomAD compares: South Asian, 0.0011%; no homozygotes.

Submission:

Labcorp Genetics (formerly Invitae), Labcorp
Classification: Uncertain significance. Last evaluated: 2023-12-18. Review status: criteria provided, single submitter. Criteria: Invitae Variant Classification Sherloc (09022015). Collection method: clinical testing. Allele origin: germline.
Comment: This sequence change replaces isoleucine, which is neutral and non-polar, with valine, which is neutral and non-polar, at codon 4 of the CWC27 protein (p.Ile4Val). This variant is present in population databases (rs758537226, gnomAD 0.003%). This variant has not been reported in the literature in individuals affected with CWC27-related conditions. ClinVar contains an entry for this variant (Variation ID: 1403669). An algorithm developed to predict the effect of missense changes on protein structure and function (PolyPhen-2) suggests that this variant¬†is likely to be tolerated. In summary, the available evidence is currently insufficient to determine the role of this variant in disease. Therefore, it has been classified as a Variant of Uncertain Significance.